The following is an entry in ClinVar:

ClinVar aggregate classification (germline): Likely benign. Review status: criteria provided, single submitter (1 of 4 stars). 2 submissions from 2 submitters: Likely benign (1). 1 of the submissions does not count toward it. Last evaluated 2022-11-25.

Conditions:
KIF5C-related disorder. Also called: KIF5C-related condition.

Allele frequency attached by ClinVar (database versions not stated): gnomAD exomes 0.00003; ExAC 0.00006; ESP Exome Variant Server 0.00008; TOPMed 0.00012; gnomAD 0.00015; 1000 Genomes Project 30x 0.00016; 1000 Genomes Project 0.00020.
gnomAD v4.1: 69 of 1,587,164 alleles (0.0043%); highest among the groups gnomAD compares: African/African-American, 0.027%; no homozygotes.

Submissions (2):

Blueprint Genetics
Classification: Likely benign. Last evaluated: 2022-11-25. Review status: criteria provided, single submitter. Criteria: ACMG Guidelines, 2015. Collection method: clinical testing. Allele origin: germline.

PreventionGenetics, part of Exact Sciences
Classification: Likely benign for KIF5C-related condition. Last evaluated: 2021-10-29. Review status: no assertion criteria provided. Collection method: clinical testing. Allele origin: germline. Not counted in ClinVar's aggregate classification.
Comment: This variant is classified as likely benign based on ACMG/AMP sequence variant interpretation guidelines (Richards et al. 2015 PMID: 25741868, with internal and published modifications).

NM_004522.3(KIF5C):c.1294-7G>A

Gene: KIF5C (kinesin family member 5C; plus strand). Cytogenetic location: 2q23.1.
Variant type: single nucleotide variant.
Coding change: c.1294-7G>A on transcript NM_004522.3 (MANE Select); 7 bases into the intron before coding-DNA position 1294, G replaced by A.
Molecular consequence: intron variant.
Genome position (GRCh38, 1-based): chr2:148,978,915, G>A. VCF-style: chr2-148978915-G-A. GRCh37 (hg19) VCF-style: chr2-149835429-G-A.
Identifiers: ClinVar variation 3030277 (VCV003030277.3), dbSNP rs374225261, ClinGen allele CA1901424.